The following is an entry in ClinVar:

ClinVar aggregate classification (germline): Benign. Review status: criteria provided, multiple submitters, no conflicts (2 of 4 stars). 3 submissions from 3 submitters: Benign (3). Last evaluated 2019-12-31.

Allele frequency attached by ClinVar (database versions not stated): gnomAD exomes 0.00340; ExAC 0.00869; gnomAD 0.01406 and 0.01498; ESP Exome Variant Server 0.01539; TOPMed 0.01556; 1000 Genomes Project 0.01597; 1000 Genomes Project 30x 0.01702.

Submissions (3):

Labcorp Genetics (formerly Invitae), Labcorp
Classification: Benign. Last evaluated: 2019-12-31. Review status: criteria provided, single submitter. Criteria: Invitae Variant Classification Sherloc (09022015). Collection method: clinical testing. Allele origin: germline.

GeneDx
Classification: Benign. Last evaluated: 2018-01-17. Review status: criteria provided, single submitter. Criteria: GeneDx Variant Classification (06012015). Collection method: clinical testing. Allele origin: germline. Affected: yes.
Comment: This variant is considered likely benign or benign based on one or more of the following criteria: it is a conservative change, it occurs at a poorly conserved position in the protein, it is predicted to be benign by multiple in silico algorithms, and/or has population frequency not consistent with disease.

Breakthrough Genomics
Classification: Benign. Review status: criteria provided, single submitter. Criteria: ACMG Guidelines, 2015. Collection method: not provided. Allele origin: germline. Inheritance: Unknown mechanism. Affected: yes.

NM_030770.4(TMPRSS5):c.162C>T (p.Ala54=)

Gene: TMPRSS5 (transmembrane serine protease 5; minus strand). Cytogenetic location: 11q23.2.
Variant type: single nucleotide variant.
Coding change: c.162C>T on transcript NM_030770.4 (MANE Select); coding-DNA position 162, C replaced by T.
Protein change: p.Ala54=; no amino-acid change (alanine 54 retained).
Molecular consequence: synonymous variant.
Genome position (GRCh38, 1-based): chr11:113,699,638, G>A on the plus strand (C>T on the coding strand, the complement: TMPRSS5 is on the minus strand). VCF-style: chr11-113699638-G-A. GRCh37 (hg19) VCF-style: chr11-113570360-G-A.
Other names: c.30C>T, p.Ala10= (NM_001288749.2, NM_001288750.2); c.135C>T, p.Ala45= (NM_001288751.2); c.162C>T, p.Ala54= (NM_001288752.2).
Identifiers: ClinVar variation 508634 (VCV000508634.6), dbSNP rs61326626, ClinGen allele CA6281910.